The following is an entry in ClinVar:

ClinVar aggregate classification (germline): Uncertain significance (1 of 4 stars; one submission).

Allele frequency attached by ClinVar (database versions not stated): gnomAD exomes 0.00004 and 0.00008; ExAC 0.00005; gnomAD 0.00009 and 0.00011; TOPMed 0.00009.
gnomAD v4.1: 78 of 1,613,746 alleles (0.0048%); highest among the groups gnomAD compares: Admixed American, 0.052%; no homozygotes.

Submission:

Labcorp Genetics (formerly Invitae), Labcorp
Classification: Uncertain significance. Last evaluated: 2024-08-13. Review status: criteria provided, single submitter. Criteria: Invitae Variant Classification Sherloc (09022015). Collection method: clinical testing. Allele origin: germline.
Comment: This sequence change replaces asparagine, which is neutral and polar, with aspartic acid, which is acidic and polar, at codon 825 of the CNTNAP1 protein (p.Asn825Asp). This variant is present in population databases (rs761482950, gnomAD 0.05%). This variant has not been reported in the literature in individuals affected with CNTNAP1-related conditions. ClinVar contains an entry for this variant (Variation ID: 1439017). An algorithm developed to predict the effect of missense changes on protein structure and function (PolyPhen-2) suggests that this variant is likely to be disruptive. In summary, the available evidence is currently insufficient to determine the role of this variant in disease. Therefore, it has been classified as a Variant of Uncertain Significance.

NM_003632.3(CNTNAP1):c.2473A>G (p.Asn825Asp)

Gene: CNTNAP1 (contactin associated protein 1; plus strand). Cytogenetic location: 17q21.2.
Variant type: single nucleotide variant.
Coding change: c.2473A>G on transcript NM_003632.3 (MANE Select); coding-DNA position 2473, A replaced by G.
Protein change: p.Asn825Asp; replaces asparagine 825 with aspartic acid.
Molecular consequence: missense variant.
Genome position (GRCh38, 1-based): chr17:42,691,934, A>G. VCF-style: chr17-42691934-A-G. GRCh37 (hg19) VCF-style: chr17-40843952-A-G.
Other names: short protein forms N825D.
Identifiers: ClinVar variation 1439017 (VCV001439017.7), dbSNP rs761482950, ClinGen allele CA8582059.